The following is an entry in ClinVar:

NM_206933.4(USH2A):c.2001C>A (p.His667Gln)

Gene: USH2A (usherin; minus strand). Cytogenetic location: 1q41.
Variant type: single nucleotide variant.
Coding change: c.2001C>A on transcript NM_206933.4 (MANE Select); coding-DNA position 2001, C replaced by A.
Protein change: p.His667Gln; replaces histidine 667 with glutamine.
Molecular consequence: missense variant.
Genome position (GRCh38, 1-based): chr1:216,251,069, G>T on the plus strand (C>A on the coding strand, the complement: USH2A is on the minus strand). VCF-style: chr1-216251069-G-T. GRCh37 (hg19) VCF-style: chr1-216424411-G-T.
Other names: c.2001C>A, p.His667Gln (NM_007123.6); short protein forms H667Q.
Identifiers: ClinVar variation 2179703 (VCV002179703.2), dbSNP rs142870255, ClinGen allele CA1396331.
Genomic context (GRCh38, chr1:216,251,069, plus strand): 5'-ATCCAACTCTTGTAGATTGTAGAATCCATTCTGGCACTGATTGCACTGCCTGCCAGACAC[G>T]TGTCTCTTACAATTACACTGTCCTCCAATCTAGAGAAGATACAACATTTTGTAGAATGAT-3'
Protein context (NP_996816.3, residues 657-677): QIGGQCNCKR[His667Gln]VSGRQCNQCQ

ClinVar aggregate classification (germline): Uncertain significance. Review status: criteria provided, single submitter (1 of 4 stars). 2 submissions from 2 submitters: Uncertain significance (1). 1 of the submissions does not count toward it. Last evaluated 2021-08-24.

Conditions:
Retinal dystrophy. Also called: Inherited retinal dystrophy. Identifiers: Orphanet 71862, MedGen C0854723, MeSH D058499, MONDO:0019118, HP:0000556.

gnomAD v4.1: 49 of 1,613,972 alleles (0.003%); highest among the groups gnomAD compares: Middle Eastern, 0.099%; no homozygotes.

Submissions (2):

Labcorp Genetics (formerly Invitae), Labcorp
Classification: Uncertain significance. Last evaluated: 2021-08-24. Review status: criteria provided, single submitter. Criteria: Invitae Variant Classification Sherloc (09022015). Collection method: clinical testing. Allele origin: germline.
Comment: This sequence change replaces histidine with glutamine at codon 667 of the USH2A protein (p.His667Gln). The histidine residue is moderately conserved and there is a small physicochemical difference between histidine and glutamine. This variant is present in population databases (rs142870255, ExAC 0.006%). This variant has not been reported in the literature in individuals affected with USH2A-related conditions. Algorithms developed to predict the effect of missense changes on protein structure and function (SIFT, PolyPhen-2, Align-GVGD) all suggest that this variant is likely to be tolerated. In summary, the available evidence is currently insufficient to determine the role of this variant in disease. Therefore, it has been classified as a Variant of Uncertain Significance.

Institute of Human Genetics, Univ. Regensburg, Univ. Regensburg
Classification: Uncertain significance for Retinal dystrophy. Last evaluated: 2019-01-01. Review status: no assertion criteria provided. Criteria: ACMG Guidelines, 2015. Collection method: clinical testing. Allele origin: germline. Affected: yes. Not counted in ClinVar's aggregate classification.